The following is an entry in ClinVar:

ClinVar aggregate classification (germline): Likely benign (1 of 4 stars; one submission).

Allele frequency attached by ClinVar (database versions not stated): ExAC 0.00006; gnomAD exomes 0.00007; TOPMed 0.00007; ESP Exome Variant Server 0.00008; gnomAD 0.00008; 1000 Genomes Project 30x 0.00016; 1000 Genomes Project 0.00020.
gnomAD v4.1: 119 of 1,614,218 alleles (0.0074%); highest among the groups gnomAD compares: East Asian, 0.0089%; no homozygotes.

Submission:

CeGaT Center for Human Genetics Tuebingen
Classification: Likely benign. Last evaluated: 2023-10-01. Review status: criteria provided, single submitter. Criteria: CeGaT Center For Human Genetics Tuebingen Variant Classification Criteria Version 2. Collection method: clinical testing. Allele origin: germline. Affected: yes. Observed: 2 variant alleles.
Comment: TRIO: BP4, BP7

NM_007118.4(TRIO):c.1638C>T (p.His546=)

Gene: TRIO (trio Rho guanine nucleotide exchange factor; plus strand). Cytogenetic location: 5p15.2.
Variant type: single nucleotide variant.
Coding change: c.1638C>T on transcript NM_007118.4 (MANE Select); coding-DNA position 1638, C replaced by T.
Protein change: p.His546=; no amino-acid change (histidine 546 retained).
Molecular consequence: synonymous variant. On other transcripts: non-coding transcript variant (1).
Genome position (GRCh38, 1-based): chr5:14,316,650, C>T. VCF-style: chr5-14316650-C-T. GRCh37 (hg19) VCF-style: chr5-14316759-C-T.
Identifiers: ClinVar variation 2655310 (VCV002655310.24), dbSNP rs56310681, ClinGen allele CA3205683.